The following is an entry in ClinVar:

NM_001040142.2(SCN2A):c.854A>T (p.Asn285Ile)

Gene: SCN2A (sodium voltage-gated channel alpha subunit 2; plus strand). Cytogenetic location: 2q24.3.
Variant type: single nucleotide variant.
Coding change: c.854A>T on transcript NM_001040142.2 (MANE Select); coding-DNA position 854, A replaced by T.
Protein change: p.Asn285Ile; replaces asparagine 285 with isoleucine.
Molecular consequence: missense variant.
Genome position (GRCh38, 1-based): chr2:165,310,479, A>T. VCF-style: chr2-165310479-A-T. GRCh37 (hg19) VCF-style: chr2-166166989-A-T.
Other names: c.854A>T, p.Asn285Ile (NM_001040143.2, NM_001371246.1, NM_001371247.1 and 1 more transcripts); short protein forms N285I.
Identifiers: ClinVar variation 3753653 (VCV003753653.2).

ClinVar aggregate classification (germline): Uncertain significance (1 of 4 stars; one submission).

Conditions:
Developmental and epileptic encephalopathy, 11 (DEE11). Also called: Early infantile epileptic encephalopathy 11. Identifiers: Orphanet 1934, MedGen C3150987, MONDO:0013388, OMIM 613721.
Seizures, benign familial infantile, 3 (BFIS3). Also called: CONVULSIONS, BENIGN FAMILIAL INFANTILE, 3; Familial neonatal seizures. Identifiers: Orphanet 140927, Orphanet 306, MedGen C1843140, MONDO:0011904, OMIM 607745.

Submission:

Labcorp Genetics (formerly Invitae), Labcorp
Classification: Uncertain significance for Seizures, benign familial infantile, 3; Developmental and epileptic encephalopathy, 11. Last evaluated: 2024-06-18. Review status: criteria provided, single submitter. Criteria: Invitae Variant Classification Sherloc (09022015). Collection method: clinical testing. Allele origin: germline.
Comment: This sequence change replaces asparagine, which is neutral and polar, with isoleucine, which is neutral and non-polar, at codon 285 of the SCN2A protein (p.Asn285Ile). This variant is not present in population databases (gnomAD no frequency). This variant has not been reported in the literature in individuals affected with SCN2A-related conditions. Advanced modeling of protein sequence and biophysical properties (such as structural, functional, and spatial information, amino acid conservation, physicochemical variation, residue mobility, and thermodynamic stability) performed at Invitae indicates that this missense variant is expected to disrupt SCN2A protein function with a positive predictive value of 95%. In summary, the available evidence is currently insufficient to determine the role of this variant in disease. Therefore, it has been classified as a Variant of Uncertain Significance.